The following is an entry in ClinVar:

ClinVar aggregate classification (germline): Uncertain significance. Review status: criteria provided, multiple submitters, no conflicts (2 of 4 stars). 3 submissions from 3 submitters: Uncertain significance (3). Last evaluated 2025-10-01.

Conditions:
Neurofibromatosis, type 2 (SWNV). Also called: NF2-Related Schwannomatosis; SCHWANNOMATOSIS, VESTIBULAR; BILATERAL ACOUSTIC NEUROFIBROMATOSIS. Identifiers: Orphanet 637, MedGen C0027832, MONDO:0007039, OMIM 101000. Disease mechanism: loss of function.
Hereditary cancer-predisposing syndrome. Also called: Hereditary Cancer Syndrome; Hereditary neoplastic syndrome; Neoplastic Syndromes, Hereditary; Tumor predisposition. Identifiers: Orphanet 140162, MedGen C0027672, MeSH D009386, MONDO:0015356.

Submissions (3):

CeGaT Center for Human Genetics Tuebingen
Classification: Uncertain significance. Last evaluated: 2025-10-01. Review status: criteria provided, single submitter. Criteria: CeGaT Center For Human Genetics Tuebingen Variant Classification Criteria Version 2. Collection method: clinical testing. Allele origin: germline. Affected: yes. Observed: 1 variant allele.
Comment: NF2: PM2, PM4:Supporting

Ambry Genetics
Classification: Uncertain significance for Hereditary cancer-predisposing syndrome. Last evaluated: 2024-03-08. Review status: criteria provided, single submitter. Criteria: Ambry Variant Classification Scheme 2023. Collection method: clinical testing. Allele origin: germline.
Comment: The c.1773_1775delCTT variant (also known as p.F592del) is located in coding exon 16 of the NF2 gene. This variant results from an in-frame CTT deletion at nucleotide positions 1773 to 1775. This results in the in-frame deletion of a phenylalanine at codon 592. This amino acid position is highly conserved in available vertebrate species. In addition, this alteration is predicted to be deleterious by in silico analysis (Choi Y et al. PLoS ONE. 2012; 7(10):e46688). Since supporting evidence is limited at this time, the clinical significance of this alteration remains unclear.

Labcorp Genetics (formerly Invitae), Labcorp
Classification: Uncertain significance for Neurofibromatosis, type 2. Last evaluated: 2022-07-01. Review status: criteria provided, single submitter. Criteria: Invitae Variant Classification Sherloc (09022015). Collection method: clinical testing. Allele origin: germline.
Comment: In summary, the available evidence is currently insufficient to determine the role of this variant in disease. Therefore, it has been classified as a Variant of Uncertain Significance. Experimental studies and prediction algorithms are not available or were not evaluated, and the functional significance of this variant is currently unknown. This variant has not been reported in the literature in individuals affected with NF2-related conditions. This variant is not present in population databases (gnomAD no frequency). This variant, c.1773_1775del, results in the deletion of 1 amino acid(s) of the NF2 protein (p.Phe592del), but otherwise preserves the integrity of the reading frame.

NM_000268.4(NF2):c.1770CTT[1] (p.Phe592del)

Gene: NF2 (NF2, moesin-ezrin-radixin like (MERLIN) tumor suppressor; plus strand). Cytogenetic location: 22q12.2.
Variant type: Microsatellite.
Coding change: c.1770CTT[1] on transcript NM_000268.4 (MANE Select); one copy of the 3-base unit CTT starting at c.1770; the reference has two copies in a row; one copy, 3 bases deleted.
Protein change: p.Phe592del; deletes phenylalanine 592.
Molecular consequence: inframe deletion. On other transcripts: 3 prime UTR variant (5), non-coding transcript variant (1).
Genome position (GRCh38, 1-based): chr22:29,694,787-29,694,789, CTT deleted; deleting any 3 consecutive bases within chr22:29,694,784-29,694,789 gives the same sequence; the position shown is the placement nearest the transcript's 3' end. VCF-style (leftmost placement, unchanged base first): chr22-29694783-CCTT-C. GRCh37 (hg19) VCF-style: chr22-30090772-CCTT-C.
Other names: c.1773_1775delCTT (NM_000268.3); c.*42CTT[1] (NM_016418.5, NM_181828.3, NM_181829.3 and 1 more transcripts); c.*57CTT[1] (NM_181832.3); c.480CTT[1], p.Phe162del (NM_181833.3); short protein forms F162del, F592del.
Identifiers: ClinVar variation 1009009 (VCV001009009.14), dbSNP rs2067500115, ClinGen allele CA2400692279.